The following is an entry in ClinVar:

NM_000179.3(MSH6):c.982A>G (p.Ser328Gly)

Gene: MSH6 (mutS homolog 6; plus strand). Cytogenetic location: 2p16.3.
Variant type: single nucleotide variant.
Coding change: c.982A>G on transcript NM_000179.3 (MANE Select); coding-DNA position 982, A replaced by G.
Protein change: p.Ser328Gly; replaces serine 328 with glycine.
Molecular consequence: missense variant.
Genome position (GRCh38, 1-based): chr2:47,798,965, A>G. VCF-style: chr2-47798965-A-G. GRCh37 (hg19) VCF-style: chr2-48026104-A-G.
Other names: c.592A>G, p.Ser198Gly (NM_001281492.2); c.76A>G, p.Ser26Gly (NM_001281493.2, NM_001281494.2); short protein forms S198G, S328G, S26G.
Identifiers: ClinVar variation 823498 (VCV000823498.12), dbSNP rs1572721137, ClinGen allele CA346741038.

ClinVar aggregate classification (germline): Conflicting classifications of pathogenicity. Review status: criteria provided, conflicting classifications (1 of 4 stars). 4 submissions from 4 submitters: Uncertain significance (3); Likely benign (1). Last evaluated 2023-07-10.

Conditions:
Hereditary nonpolyposis colorectal neoplasms. Identifiers: MedGen C0009405, MeSH D003123.
Hereditary cancer-predisposing syndrome. Also called: Tumor predisposition; Hereditary Cancer Syndrome; Neoplastic Syndromes, Hereditary; Hereditary neoplastic syndrome. Identifiers: Orphanet 140162, MedGen C0027672, MeSH D009386, MONDO:0015356.

Allele frequency attached by ClinVar (database versions not stated): gnomAD exomes below 0.00001.

Submissions (4):

GeneDx
Classification: Uncertain significance. Last evaluated: 2023-07-10. Review status: criteria provided, single submitter. Criteria: GeneDx Variant Classification Process June 2021. Collection method: clinical testing. Allele origin: germline. Affected: yes.
Comment: Not observed at significant frequency in large population cohorts (gnomAD); In silico analysis supports that this missense variant does not alter protein structure/function; Has not been previously published as pathogenic or benign to our knowledge; This variant is associated with the following publications: (PMID: 21437237)

Labcorp Genetics (formerly Invitae), Labcorp
Classification: Uncertain significance for Hereditary nonpolyposis colorectal neoplasms. Last evaluated: 2023-04-09. Review status: criteria provided, single submitter. Criteria: Invitae Variant Classification Sherloc (09022015). Collection method: clinical testing. Allele origin: germline.
Comment: ClinVar contains an entry for this variant (Variation ID: 823498). In summary, the available evidence is currently insufficient to determine the role of this variant in disease. Therefore, it has been classified as a Variant of Uncertain Significance. Advanced modeling of protein sequence and biophysical properties (such as structural, functional, and spatial information, amino acid conservation, physicochemical variation, residue mobility, and thermodynamic stability) performed at Invitae indicates that this missense variant is not expected to disrupt MSH6 protein function. This variant has not been reported in the literature in individuals affected with MSH6-related conditions. This variant is not present in population databases (gnomAD no frequency). This sequence change replaces serine, which is neutral and polar, with glycine, which is neutral and non-polar, at codon 328 of the MSH6 protein (p.Ser328Gly).

Sema4
Classification: Uncertain significance for Hereditary cancer-predisposing syndrome. Last evaluated: 2022-01-25. Review status: criteria provided, single submitter. Criteria: Sema4 Curation Guidelines. Collection method: curation. Allele origin: germline.
Comment: The MSH6 c.982A>G (p.S328G) variant has not been reported in the literature to our knowledge. It was not observed in the large and broad cohorts of the Genome Aggregation Database (PMID: 32461654). The variant has been reported in ClinVar (Variation ID 823498). Functional studies have not been performed, and in silico predictions of the variant's effect on protein function are inconclusive. The evidence is insufficient to meet ACMG/AMP criteria for classifying the variant as benign or pathogenic. Thus, the clinical significance of this variant is currently uncertain.

Ambry Genetics
Classification: Likely benign for Hereditary cancer-predisposing syndrome. Last evaluated: 2019-01-23. Review status: criteria provided, single submitter. Criteria: Ambry Variant Classification Scheme 2023. Collection method: clinical testing. Allele origin: germline.